The following is an entry in ClinVar:

NM_022124.6(CDH23):c.4050C>T (p.Phe1350=)

Genes: C10orf105 (chromosome 10 open reading frame 105; minus strand), CDH23 (cadherin related 23; plus strand). Cytogenetic location: 10q22.1.
Variant type: single nucleotide variant.
Coding change: c.4050C>T on transcript NM_022124.6 (MANE Select); coding-DNA position 4050, C replaced by T.
Protein change: p.Phe1350=; no amino-acid change (phenylalanine 1350 retained).
Molecular consequence: synonymous variant. On other transcripts: intron variant (1).
Genome position (GRCh38, 1-based): chr10:71,732,321, C>T. VCF-style: chr10-71732321-C-T. GRCh37 (hg19) VCF-style: chr10-73492078-C-T.
Other names: c.4050C>T, p.Phe1350= (NM_001171930.2); c.-6+5407G>A (NM_001168390.2).
Identifiers: ClinVar variation 4981568 (VCV004981568.1).
Genomic context (GRCh38, chr10:71,732,321, plus strand): 5'-TGAGATTGTGCGGGTCCAGGCCTACTCCATCGACAACCTCAACCAAATCACGTACCGCTT[C>T]AACGCCTACACCAGCACCCAGGCCAAAGCCCTCTTCAAGATAGACGCCATCACGGTGAGG-3'
Protein context (NP_071407.4, residues 1340-1360): IDNLNQITYR[Phe1350=]NAYTSTQAKA

ClinVar aggregate classification (germline): Likely benign (1 of 4 stars; one submission).

Conditions:
CDH23-related disorder. Also called: CDH23-related condition; CDH23-related disorders.

gnomAD v4.1: 6 of 1,601,180 alleles (0.00037%); highest among the groups gnomAD compares: Middle Eastern, 0.016%; no homozygotes.

Submission:

PreventionGenetics, part of Exact Sciences
Classification: Likely benign for CDH23-related condition. Last evaluated: 2025-09-30. Review status: criteria provided, single submitter. Criteria: ACMG Guidelines, 2015. Collection method: clinical testing. Allele origin: germline.
Comment: This variant is classified as likely benign based on ACMG/AMP sequence variant interpretation guidelines (Richards et al. 2015 PMID: 25741868, with internal and published modifications).